The following is an entry in ClinVar:

NM_000934.4(SERPINF2):c.412G>A (p.Ala138Thr)

Gene: SERPINF2 (serpin family F member 2; plus strand). Cytogenetic location: 17p13.3.
Variant type: single nucleotide variant.
Coding change: c.412G>A on transcript NM_000934.4 (MANE Select); coding-DNA position 412, G replaced by A.
Protein change: p.Ala138Thr; replaces alanine 138 with threonine.
Molecular consequence: missense variant.
Genome position (GRCh38, 1-based): chr17:1,747,063, G>A. VCF-style: chr17-1747063-G-A. GRCh37 (hg19) VCF-style: chr17-1650357-G-A.
Other names: c.412G>A, p.Ala138Thr (NM_001165920.1); c.220G>A, p.Ala74Thr (NM_001165921.2); short protein forms A138T, A74T.
Identifiers: ClinVar variation 724613 (VCV000724613.6), dbSNP rs186432737, ClinGen allele CA8274187.

ClinVar aggregate classification (germline): Benign. Review status: criteria provided, multiple submitters, no conflicts (2 of 4 stars). 3 submissions from 3 submitters: Benign (2). 1 of the submissions does not count toward it. Last evaluated 2026-09-01.

Conditions:
SERPINF2-related disorder. Also called: SERPINF2-related condition.

Allele frequency attached by ClinVar (database versions not stated): TOPMed 0.00015; gnomAD 0.00050 and 0.00010; gnomAD exomes 0.00190; ExAC 0.00211; 1000 Genomes Project 0.00339; 1000 Genomes Project 30x 0.00344.
gnomAD v4.1: 1,329 of 1,608,558 alleles (0.083%); highest among the groups gnomAD compares: South Asian, 1.3%; 21 homozygotes.

Submissions (3):

CeGaT Center for Human Genetics Tuebingen
Classification: Benign. Last evaluated: 2026-09-01. Review status: criteria provided, single submitter. Criteria: CeGaT Center For Human Genetics Tuebingen Variant Classification Criteria Version 2. Collection method: clinical testing. Allele origin: germline. Affected: yes. Observed: 1 variant allele.
Comment: SERPINF2: BP4, BS1, BS2

Labcorp Genetics (formerly Invitae), Labcorp
Classification: Benign. Last evaluated: 2018-02-07. Review status: criteria provided, single submitter. Criteria: Invitae Variant Classification Sherloc (09022015). Collection method: clinical testing. Allele origin: germline.

PreventionGenetics, part of Exact Sciences
Classification: Benign for SERPINF2-related condition. Last evaluated: 2023-12-24. Review status: no assertion criteria provided. Collection method: clinical testing. Allele origin: germline. Not counted in ClinVar's aggregate classification.
Comment: This variant is classified as benign based on ACMG/AMP sequence variant interpretation guidelines (Richards et al. 2015 PMID: 25741868, with internal and published modifications).